The following is an entry in ClinVar:

ClinVar aggregate classification (germline): Uncertain significance (1 of 4 stars; one submission).

Conditions:
Familial adenomatous polyposis 1 (FAP1). Also called: FAMILIAL ADENOMATOUS POLYPOSIS 1, ATTENUATED; POLYPOSIS, ADENOMATOUS INTESTINAL. Identifiers: MedGen C2713442, MONDO:0021056, OMIM 175100. Disease mechanism: loss of function.

gnomAD v4.1: 2 of 1,614,188 alleles (0.00012%); highest among the groups gnomAD compares: South Asian, 0.0022%; no homozygotes.

Submission:

Labcorp Genetics (formerly Invitae), Labcorp
Classification: Uncertain significance for Familial adenomatous polyposis 1. Last evaluated: 2020-10-03. Review status: criteria provided, single submitter. Criteria: Invitae Variant Classification Sherloc (09022015). Collection method: clinical testing. Allele origin: germline.
Comment: In summary, the available evidence is currently insufficient to determine the role of this variant in disease. Therefore, it has been classified as a Variant of Uncertain Significance. Algorithms developed to predict the effect of missense changes on protein structure and function (SIFT, PolyPhen-2, Align-GVGD) all suggest that this variant is likely to be tolerated, but these predictions have not been confirmed by published functional studies and their clinical significance is uncertain. This variant has not been reported in the literature in individuals with APC-related disease. This variant is not present in population databases (ExAC no frequency). This sequence change replaces valine with methionine at codon 1320 of the APC protein (p.Val1320Met). The valine residue is moderately conserved and there is a small physicochemical difference between valine and methionine.

NM_000038.6(APC):c.3958G>A (p.Val1320Met)

Gene: APC (APC regulator of Wnt signaling pathway; plus strand). Cytogenetic location: 5q22.2.
Variant type: single nucleotide variant.
Coding change: c.3958G>A on transcript NM_000038.6 (MANE Select); coding-DNA position 3958, G replaced by A.
Protein change: p.Val1320Met; replaces valine 1320 with methionine.
Molecular consequence: missense variant.
Genome position (GRCh38, 1-based): chr5:112,839,552, G>A. VCF-style: chr5-112839552-G-A. GRCh37 (hg19) VCF-style: chr5-112175249-G-A.
Other names: c.3958G>A, p.Val1320Met (NM_001127510.3, NM_001354895.2); c.3904G>A, p.Val1302Met (NM_001127511.3); c.4012G>A, p.Val1338Met (NM_001354896.2); c.3988G>A, p.Val1330Met (NM_001354897.2); c.3883G>A, p.Val1295Met (NM_001354898.2); c.3874G>A, p.Val1292Met (NM_001354899.2); c.3835G>A, p.Val1279Met (NM_001354900.2); c.3781G>A, p.Val1261Met (NM_001354901.2); and 5 more; short protein forms V1292M, V1330M, V1037M, V1160M, V1320M, V1194M, V1261M, V1295M.
Identifiers: ClinVar variation 661209 (VCV000661209.10), dbSNP rs1580642209, ClinGen allele CA16030013.